The following is an entry in ClinVar:

NM_020884.7(MYH7B):c.3698T>A (p.Met1233Lys)

Gene: MYH7B (myosin heavy chain 7B; plus strand). Cytogenetic location: 20q11.22.
Variant type: single nucleotide variant.
Coding change: c.3698T>A on transcript NM_020884.7 (MANE Select); coding-DNA position 3698, T replaced by A.
Protein change: p.Met1233Lys; replaces methionine 1233 with lysine.
Molecular consequence: missense variant.
Genome position (GRCh38, 1-based): chr20:34,997,591, T>A. VCF-style: chr20-34997591-T-A. GRCh37 (hg19) VCF-style: chr20-33585394-T-A.
Other names: short protein forms M1233K.
Identifiers: ClinVar variation 2594672 (VCV002594672.6), dbSNP rs372086755, ClinGen allele CA9827816.

ClinVar aggregate classification (germline): Uncertain significance. Review status: criteria provided, multiple submitters, no conflicts (2 of 4 stars). 2 submissions from 2 submitters: Uncertain significance (2). Last evaluated 2025-10-21.

Allele frequency attached by ClinVar (database versions not stated): TOPMed 0.00009; gnomAD 0.00011; 1000 Genomes Project 0.00020; 1000 Genomes Project 30x 0.00031; ESP Exome Variant Server 0.00031.

Submissions (2):

Ambry Genetics
Classification: Uncertain significance. Last evaluated: 2025-10-21. Review status: criteria provided, single submitter. Criteria: Ambry Variant Classification Scheme 2023. Collection method: clinical testing. Allele origin: germline.

Labcorp Genetics (formerly Invitae), Labcorp
Classification: Uncertain significance. Last evaluated: 2024-05-29. Review status: criteria provided, single submitter. Criteria: Invitae Variant Classification Sherloc (09022015). Collection method: clinical testing. Allele origin: germline.
Comment: This sequence change replaces methionine, which is neutral and non-polar, with lysine, which is basic and polar, at codon 1275 of the MYH7B protein (p.Met1275Lys). This variant is present in population databases (rs372086755, gnomAD 0.02%). This variant has not been reported in the literature in individuals affected with MYH7B-related conditions. ClinVar contains an entry for this variant (Variation ID: 2594672). Advanced modeling of protein sequence and biophysical properties (such as structural, functional, and spatial information, amino acid conservation, physicochemical variation, residue mobility, and thermodynamic stability) performed at Invitae indicates that this missense variant is not expected to disrupt MYH7B protein function with a negative predictive value of 80%. In summary, the available evidence is currently insufficient to determine the role of this variant in disease. Therefore, it has been classified as a Variant of Uncertain Significance.